The following is an entry in ClinVar:

NM_002641.4(PIGA):c.831A>T (p.Arg277Ser)

Gene: PIGA (phosphatidylinositol glycan anchor biosynthesis class A; minus strand). Cytogenetic location: Xp22.2.
Variant type: single nucleotide variant.
Coding change: c.831A>T on transcript NM_002641.4 (MANE Select); coding-DNA position 831, A replaced by T.
Protein change: p.Arg277Ser; replaces arginine 277 with serine.
Molecular consequence: missense variant. On other transcripts: non-coding transcript variant (2).
Genome position (GRCh38, 1-based): chrX:15,325,931, T>A on the plus strand (A>T on the coding strand, the complement: PIGA is on the minus strand). VCF-style: chrX-15325931-T-A. GRCh37 (hg19) VCF-style: chrX-15344053-T-A.
Other names: c.129A>T, p.Arg43Ser (NM_020473.3); short protein forms R277S, R43S.
Identifiers: ClinVar variation 2580516 (VCV002580516.1), dbSNP rs2519326162, ClinGen allele CA412337122.
Genomic context (GRCh38, chrX:15,325,931, plus strand): 5'-ATTGACATCTTCTCCCTCAAGACAACATGAAATTCATCAATACCTGTCATGCAGCTGGTA[T>A]CTTTCCCGAACTTCTTCCAAAATGATTCTCTTTGGTCCCTCTCCTCCAATTATGAAATTT-3'
Protein context (NP_002632.1, residues 267-287): KRIILEEVRE[Arg277Ser]YQLHDRVRLL

ClinVar aggregate classification (germline): Uncertain significance (1 of 4 stars; one submission).

Submission:

GeneDx
Classification: Uncertain significance. Last evaluated: 2023-03-24. Review status: criteria provided, single submitter. Criteria: GeneDx Variant Classification Process June 2021. Collection method: clinical testing. Allele origin: germline. Affected: yes.
Comment: Not observed at significant frequency in large population cohorts (gnomAD); In silico analysis supports that this missense variant has a deleterious effect on protein structure/function; Has not been previously published as pathogenic or benign to our knowledge